The following is an entry in ClinVar:

ClinVar aggregate classification (germline): Uncertain significance (1 of 4 stars; one submission).

Conditions:
Early-infantile DEE. Also called: Early infantile epileptic encephalopathy with suppression bursts; Early infantile epileptic encephalopathy; Ohtahara syndrome. Identifiers: Orphanet 1934, MedGen C0393706, MONDO:0800491.

Submission:

Labcorp Genetics (formerly Invitae), Labcorp
Classification: Uncertain significance for Early-infantile DEE. Last evaluated: 2024-05-01. Review status: criteria provided, single submitter. Criteria: Invitae Variant Classification Sherloc (09022015). Collection method: clinical testing. Allele origin: germline.
Comment: This sequence change replaces leucine, which is neutral and non-polar, with methionine, which is neutral and non-polar, at codon 763 of the SCN1A protein (p.Leu763Met). This variant is not present in population databases (gnomAD no frequency). This variant has not been reported in the literature in individuals affected with SCN1A-related conditions. ClinVar contains an entry for this variant (Variation ID: 1718287). Advanced modeling of protein sequence and biophysical properties (such as structural, functional, and spatial information, amino acid conservation, physicochemical variation, residue mobility, and thermodynamic stability) performed at Invitae indicates that this missense variant is not expected to disrupt SCN1A protein function with a negative predictive value of 95%. In summary, the available evidence is currently insufficient to determine the role of this variant in disease. Therefore, it has been classified as a Variant of Uncertain Significance.

NM_001165963.4(SCN1A):c.2287C>A (p.Leu763Met)

Gene: SCN1A (sodium voltage-gated channel alpha subunit 1; minus strand). Cytogenetic location: 2q24.3.
Variant type: single nucleotide variant.
Coding change: c.2287C>A on transcript NM_001165963.4 (MANE Select); coding-DNA position 2287, C replaced by A.
Protein change: p.Leu763Met; replaces leucine 763 with methionine.
Molecular consequence: missense variant. On other transcripts: 5 prime UTR variant (1), non-coding transcript variant (1).
Genome position (GRCh38, 1-based): chr2:166,041,359, G>T on the plus strand (C>A on the coding strand, the complement: SCN1A is on the minus strand). VCF-style: chr2-166041359-G-T. GRCh37 (hg19) VCF-style: chr2-166897869-G-T.
Other names: c.2254C>A, p.Leu752Met (NM_001353949.2, NM_001353950.2, NM_001353951.2 and 2 more transcripts); c.2251C>A, p.Leu751Met (NM_001353954.2, NM_001353955.2); c.2203C>A, p.Leu735Met (NM_001353957.2, NM_001353958.2, NM_001165964.3); c.2200C>A, p.Leu734Met (NM_001353960.2); c.-172C>A (NM_001353961.2); c.2287C>A, p.Leu763Met (NM_001202435.3, NM_001353948.2); short protein forms L734M, L735M, L751M, L752M, L763M.
Identifiers: ClinVar variation 1718287 (VCV001718287.5), dbSNP rs777256667, ClinGen allele CA349064541.